The following is an entry in ClinVar:

NM_000141.5(FGFR2):c.918del (p.Tyr308fs)

Gene: FGFR2 (fibroblast growth factor receptor 2; minus strand). Cytogenetic location: 10q26.13.
Variant type: Deletion.
Coding change: c.918del on transcript NM_000141.5 (MANE Select); coding-DNA position 918, one base deleted (G; older notation c.918delG).
Protein change: p.Tyr308fs; shifts the reading frame from tyrosine 308.
Molecular consequence: frameshift variant. On other transcripts: non-coding transcript variant (1), intron variant (1).
Genome position (GRCh38, 1-based): chr10:121,520,000, C deleted on the plus strand (G on the coding strand, the reverse complement: FGFR2 is on the minus strand). VCF-style (leftmost placement, unchanged base first): chr10-121519999-GC-G. GRCh37 (hg19) VCF-style: chr10-123279513-GC-G.
Other names: c.918del, p.Tyr308fs (NM_001144913.1, NM_001144917.2, NM_001320658.2 and 1 more transcripts); c.651del, p.Tyr219fs (NM_001144915.2, NM_001144919.2); c.573del, p.Tyr193fs (NM_001144916.2, NM_001144918.2); c.234del, p.Tyr80fs (NM_001320654.2); c.651delG, p.Tyr219Thrfs (NM_023029.3); c.749-4681del (NM_001144914.1); short protein forms Y308fs, Y219fs, Y80fs, Y193fs.
Identifiers: ClinVar variation 1440549 (VCV001440549.6), dbSNP rs2134308426, ClinGen allele CA2573145554.

ClinVar aggregate classification (germline): Uncertain significance (1 of 4 stars; one submission).

Conditions:
FGFR2-related craniosynostosis. Identifiers: MedGen CN231480.

Submission:

Labcorp Genetics (formerly Invitae), Labcorp
Classification: Uncertain significance for FGFR2-related craniosynostosis. Last evaluated: 2022-07-25. Review status: criteria provided, single submitter. Criteria: Invitae Variant Classification Sherloc (09022015). Collection method: clinical testing. Allele origin: germline.
Comment: In summary, the available evidence is currently insufficient to determine the role of this variant in disease. Therefore, it has been classified as a Variant of Uncertain Significance. Experimental studies and prediction algorithms are not available or were not evaluated, and the functional significance of this variant is currently unknown. ClinVar contains an entry for this variant (Variation ID: 1440549). This variant has not been reported in the literature in individuals affected with FGFR2-related conditions. This variant is not present in population databases (gnomAD no frequency). This sequence change creates a premature translational stop signal (p.Tyr308Thrfs*25) in the FGFR2 gene. It is expected to result in an absent or disrupted protein product. However, the current clinical and genetic evidence is not sufficient to establish whether loss-of-function variants in FGFR2 cause disease.